The following is an entry in ClinVar:

NM_002972.4(SBF1):c.2281G>A (p.Ala761Thr)

Gene: SBF1 (SET binding factor 1; minus strand). Cytogenetic location: 22q13.33.
Variant type: single nucleotide variant.
Coding change: c.2281G>A on transcript NM_002972.4 (MANE Select); coding-DNA position 2281, G replaced by A.
Protein change: p.Ala761Thr; replaces alanine 761 with threonine.
Molecular consequence: missense variant.
Genome position (GRCh38, 1-based): chr22:50,462,320, C>T on the plus strand (G>A on the coding strand, the complement: SBF1 is on the minus strand). VCF-style: chr22-50462320-C-T. GRCh37 (hg19) VCF-style: chr22-50900749-C-T.
Other names: c.2284G>A, p.Ala762Thr (NM_001365819.1, NM_001410794.1); c.2281G>A, p.Ala761Thr (NM_001410795.1, NM_197971.1); short protein forms A761T, A762T.
Identifiers: ClinVar variation 2580075 (VCV002580075.1), dbSNP rs1464563126, ClinGen allele CA412210475.

ClinVar aggregate classification (germline): Uncertain significance (1 of 4 stars; one submission).

Allele frequency attached by ClinVar (database versions not stated): gnomAD exomes below 0.00001; TOPMed below 0.00001; gnomAD 0.00001.
gnomAD v4.1: 2 of 1,613,934 alleles (0.00012%); highest among the groups gnomAD compares: Non-Finnish European, 0.000085%; no homozygotes.

Submission:

GeneDx
Classification: Uncertain significance. Last evaluated: 2023-03-16. Review status: criteria provided, single submitter. Criteria: GeneDx Variant Classification Process June 2021. Collection method: clinical testing. Allele origin: germline. Affected: yes.
Comment: Not observed at significant frequency in large population cohorts (gnomAD); In silico analysis supports that this missense variant has a deleterious effect on protein structure/function; Has not been previously published as pathogenic or benign to our knowledge